The following is an entry in ClinVar:

NM_000038.6(APC):c.4626T>G (p.Pro1542=)

Gene: APC (APC regulator of Wnt signaling pathway; plus strand). Cytogenetic location: 5q22.2.
Variant type: single nucleotide variant.
Coding change: c.4626T>G on transcript NM_000038.6 (MANE Select); coding-DNA position 4626, T replaced by G.
Protein change: p.Pro1542=; no amino-acid change (proline 1542 retained).
Molecular consequence: synonymous variant. On other transcripts: non-coding transcript variant (2).
Genome position (GRCh38, 1-based): chr5:112,840,220, T>G. VCF-style: chr5-112840220-T-G. GRCh37 (hg19) VCF-style: chr5-112175917-T-G.
Other names: c.4626T>G, p.Pro1542= (NM_001127510.3, NM_001354895.2, NM_001407450.1); c.4572T>G, p.Pro1524= (NM_001127511.3); c.4680T>G, p.Pro1560= (NM_001354896.2, NM_001407447.1, NM_001407448.1 and 1 more transcripts); c.4656T>G, p.Pro1552= (NM_001354897.2); c.4551T>G, p.Pro1517= (NM_001354898.2); c.4542T>G, p.Pro1514= (NM_001354899.2); c.4503T>G, p.Pro1501= (NM_001354900.2); c.4449T>G, p.Pro1483= (NM_001354901.2, NM_001407453.1); and 11 more.
Identifiers: ClinVar variation 3148365 (VCV003148365.1), dbSNP rs2149919440, ClinGen allele CA446206632.

ClinVar aggregate classification (germline): Benign (1 of 4 stars; one submission).

Conditions:
Familial adenomatous polyposis 1 (FAP1). Also called: POLYPOSIS, ADENOMATOUS INTESTINAL; FAMILIAL ADENOMATOUS POLYPOSIS 1, ATTENUATED. Identifiers: MedGen C2713442, MONDO:0021056, OMIM 175100. Disease mechanism: loss of function.

Submission:

Myriad Genetics, Inc.
Classification: Benign for Familial adenomatous polyposis 1. Last evaluated: 2024-03-27. Review status: criteria provided, single submitter. Criteria: Myriad Autosomal Dominant, Autosomal Recessive and X-Linked Classification Criteria (2023). Collection method: clinical testing. Allele origin: unknown.
Comment: This variant is considered benign. This variant is a silent/synonymous amino acid change and it is not expected to impact splicing.